The following is an entry in ClinVar:

ClinVar aggregate classification (germline): Likely pathogenic (1 of 4 stars; one submission).

Conditions:
Usher syndrome. Also called: Usher Syndromes; Usher's syndrome. Identifiers: Orphanet 886, MedGen CN469326, MeSH D052245, MONDO:0019501. Disease mechanism: loss of function.

Submission:

Women's Health and Genetics/Laboratory Corporation of America, LabCorp
Classification: Likely pathogenic for Retinitis pigmentosa-deafness syndrome. Last evaluated: 2023-01-10. Review status: criteria provided, single submitter. Criteria: LabCorp Variant Classification Summary - May 2015. Collection method: clinical testing. Allele origin: germline.
Comment: Variant summary: The variant identified by MLPA or other technology involves the deletion of exons 39-50 in the USH2A gene. A presumed nomenclature of c.(7300+1_7301-1)_(9958+1_9959-1)del has been designated for the purposes of this classification. Although exact breakpoints of this deletion are not known, it is expected to result in a large in-frame deletion in the USH2A gene, removing a large part (i.e. 886 amino acids), of the 5202 amino acid long protein. The variant was absent in 21694 control chromosomes (gnomAD, Structural Variants dataset). To our knowledge, no occurrence of c.(7300+1_7301-1)_(9958+1_9959-1)del in individuals affected with Usher Syndrome and no experimental evidence demonstrating its impact on protein function have been reported. However, within exons 39-50 several missense variants and small intra-exonic in-frame deletions, as well as in-frame multi-exon deletions (e.g. exons 45-49 del) have been reported in affected individuals (HGMD). One clinical diagnostic laboratory has submitted clinical-significance assessments for a similar deletion variant to ClinVar after 2014 without evidence for independent evaluation, and classified the variant as pathogenic. Based on the evidence outlined above, the variant was classified as likely pathogenic.

NC_000001.10:g.(215963625_215972248)_(216074248_216107957)del

Gene: USH2A (usherin; minus strand). Cytogenetic location: 1q41.
Variant type: Deletion.
Identifiers: ClinVar variation 2429322 (VCV002429322.3).